The following is an entry in ClinVar:

ClinVar aggregate classification (germline): Uncertain significance (1 of 4 stars; one submission).

Submission:

Ambry Genetics
Classification: Uncertain significance. Last evaluated: 2025-06-08. Review status: criteria provided, single submitter. Criteria: Ambry Variant Classification Scheme 2023. Collection method: clinical testing. Allele origin: germline.
Comment: The p.K51Q variant (also known as c.151A>C), located in coding exon 1 of the CDK12 gene, results from an A to C substitution at nucleotide position 151. The lysine at codon 51 is replaced by glutamine, an amino acid with similar properties. This amino acid position is conserved. In addition, this alteration is predicted to be tolerated by in silico analysis. Based on the available evidence, the clinical significance of this variant remains unclear.

NM_016507.4(CDK12):c.151A>C (p.Lys51Gln)

Genes: CDK12 (cyclin dependent kinase 12; plus strand), LOC126862553 (CDK7 strongly-dependent group 2 enhancer GRCh37_chr17:37618166-37619365; plus strand). Cytogenetic location: 17q12.
Variant type: single nucleotide variant.
Coding change: c.151A>C on transcript NM_016507.4 (MANE Select); coding-DNA position 151, A replaced by C.
Protein change: p.Lys51Gln; replaces lysine 51 with glutamine.
Molecular consequence: missense variant.
Genome position (GRCh38, 1-based): chr17:39,462,222, A>C. VCF-style: chr17-39462222-A-C. GRCh37 (hg19) VCF-style: chr17-37618475-A-C.
Other names: c.151A>C, p.Lys51Gln (NM_015083.4); short protein forms K51Q.
Identifiers: ClinVar variation 3999545 (VCV003999545.1).